The following is an entry in ClinVar:

ClinVar aggregate classification (germline): Likely benign (1 of 4 stars; one submission).

Submission:

CeGaT Center for Human Genetics Tuebingen
Classification: Likely benign. Last evaluated: 2026-08-01. Review status: criteria provided, single submitter. Criteria: CeGaT Center For Human Genetics Tuebingen Variant Classification Criteria Version 2. Collection method: clinical testing. Allele origin: germline. Affected: yes. Observed: 79 variant alleles.
Comment: CDC27: BP4, BP7

NM_001256.6(CDC27):c.1758A>G (p.Ala586=)

Gene: CDC27 (cell division cycle 27; minus strand). Cytogenetic location: 17q21.32.
Variant type: single nucleotide variant.
Coding change: c.1758A>G on transcript NM_001256.6 (MANE Select); coding-DNA position 1758, A replaced by G.
Protein change: p.Ala586=; no amino-acid change (alanine 586 retained).
Molecular consequence: synonymous variant. On other transcripts: non-coding transcript variant (1).
Genome position (GRCh38, 1-based): chr17:47,137,307, T>C on the plus strand (A>G on the coding strand, the complement: CDC27 is on the minus strand). VCF-style: chr17-47137307-T-C. GRCh37 (hg19) VCF-style: chr17-45214673-T-C.
Other names: c.1755A>G, p.Ala585= (NM_001293089.3, NM_001353047.2); c.1575A>G, p.Ala525= (NM_001293091.3, NM_001353049.2); c.1758A>G, p.Ala586= (NM_001353035.2); c.1467A>G, p.Ala489= (NM_001353050.2); c.564A>G, p.Ala188= (NM_001353051.2); c.1776A>G, p.Ala592= (NM_001114091.4).
Identifiers: ClinVar variation 2647872 (VCV002647872.24), dbSNP rs62075621, ClinGen allele CA291213943.